The following is an entry in ClinVar:

ClinVar aggregate classification (germline): Uncertain significance. Review status: criteria provided, multiple submitters, no conflicts (2 of 4 stars). 2 submissions from 2 submitters: Uncertain significance (2). Last evaluated 2022-08-13.

Conditions:
Sulfite oxidase deficiency due to molybdenum cofactor deficiency type A. Also called: Molybdenum Cofactor Deficiency A; Molybdenum cofactor deficiency, complementation group A. Identifiers: Orphanet 308386, Orphanet 833, MedGen C1854988, MONDO:0009643, OMIM 252150.

Allele frequency attached by ClinVar (database versions not stated): gnomAD 0.00003 and 0.00006; TOPMed 0.00008; gnomAD exomes 0.00009 and 0.00017; ExAC 0.00017; 1000 Genomes Project 0.00020; 1000 Genomes Project 30x 0.00031.
gnomAD v4.1: 149 of 1,613,480 alleles (0.0092%); highest among the groups gnomAD compares: South Asian, 0.11%; 1 homozygote.

Submissions (2):

Labcorp Genetics (formerly Invitae), Labcorp
Classification: Uncertain significance for Sulfite oxidase deficiency due to molybdenum cofactor deficiency type A. Last evaluated: 2022-08-13. Review status: criteria provided, single submitter. Criteria: Invitae Variant Classification Sherloc (09022015). Collection method: clinical testing. Allele origin: germline.
Comment: This sequence change replaces proline, which is neutral and non-polar, with leucine, which is neutral and non-polar, at codon 404 of the MOCS1 protein (p.Pro404Leu). This variant is present in population databases (rs570962724, gnomAD 0.1%). This variant has not been reported in the literature in individuals affected with MOCS1-related conditions. ClinVar contains an entry for this variant (Variation ID: 356652). Algorithms developed to predict the effect of missense changes on protein structure and function are either unavailable or do not agree on the potential impact of this missense change (SIFT: "Not Available"; PolyPhen-2: "Benign"; Align-GVGD: "Not Available"). In summary, the available evidence is currently insufficient to determine the role of this variant in disease. Therefore, it has been classified as a Variant of Uncertain Significance.

Illumina Laboratory Services, Illumina
Classification: Uncertain significance for Sulfite oxidase deficiency due to molybdenum cofactor deficiency type A. Last evaluated: 2018-01-12. Review status: criteria provided, single submitter. Criteria: ICSL Variant Classification Criteria 13 December 2019. Collection method: clinical testing. Allele origin: germline.

NM_001358530.2(MOCS1):c.1211C>T (p.Pro404Leu)

Gene: MOCS1 (molybdenum cofactor synthesis 1; minus strand). Cytogenetic location: 6p21.2.
Variant type: single nucleotide variant.
Coding change: c.1211C>T on transcript NM_001358530.2 (MANE Select); coding-DNA position 1211, C replaced by T.
Protein change: p.Pro404Leu; replaces proline 404 with leucine.
Molecular consequence: missense variant. On other transcripts: 3 prime UTR variant (4), non-coding transcript variant (1).
Genome position (GRCh38, 1-based): chr6:39,907,057, G>A on the plus strand (C>T on the coding strand, the complement: MOCS1 is on the minus strand). VCF-style: chr6-39907057-G-A. GRCh37 (hg19) VCF-style: chr6-39874833-G-A.
Other names: c.*68C>T (NM_001075098.4, NM_001358533.2, NM_001358534.2 and 1 more transcripts); c.1163C>T, p.Pro388Leu (NM_001358529.2); c.950C>T, p.Pro317Leu (NM_001358531.2); short protein forms P317L, P404L, P388L.
Identifiers: ClinVar variation 356652 (VCV000356652.7), dbSNP rs570962724, ClinGen allele CA3795984.